The following is an entry in ClinVar:

NM_000414.4(HSD17B4):c.714G>C (p.Glu238Asp)

Gene: HSD17B4 (hydroxysteroid 17-beta dehydrogenase 4; plus strand). Cytogenetic location: 5q23.1.
Variant type: single nucleotide variant.
Coding change: c.714G>C on transcript NM_000414.4 (MANE Select); coding-DNA position 714, G replaced by C.
Protein change: p.Glu238Asp; replaces glutamic acid 238 with aspartic acid.
Molecular consequence: missense variant. On other transcripts: non-coding transcript variant (2).
Genome position (GRCh38, 1-based): chr5:119,489,283, G>C. VCF-style: chr5-119489283-G-C. GRCh37 (hg19) VCF-style: chr5-118824978-G-C.
Other names: c.789G>C, p.Glu263Asp (NM_001199291.3); c.660G>C, p.Glu220Asp (NM_001199292.2); c.642G>C, p.Glu214Asp (NM_001292027.2); c.294G>C, p.Glu98Asp (NM_001292028.2); c.705G>C, p.Glu235Asp (NM_001374497.1); c.714G>C, p.Glu238Asp (NM_001374498.1); c.387G>C, p.Glu129Asp (NM_001374499.1); c.273G>C, p.Glu91Asp (NM_001374500.1); and 1 more; short protein forms E101D, E129D, E214D, E220D, E235D, E238D, E263D, E91D.
Identifiers: ClinVar variation 3731381 (VCV003731381.1).

ClinVar aggregate classification (germline): Uncertain significance (1 of 4 stars; one submission).

Conditions:
Bifunctional peroxisomal enzyme deficiency (DBIF). Also called: DBP DEFICIENCY; D-bifunctional protein deficiency; PBFE DEFICIENCY. Identifiers: Orphanet 300, MedGen C0342870, MONDO:0009855, OMIM 261515. Disease mechanism: loss of function.

Submission:

Neuberg Centre For Genomic Medicine, NCGM
Classification: Uncertain significance for Bifunctional peroxisomal enzyme deficiency. Last evaluated: 2023-06-22. Review status: criteria provided, single submitter. Criteria: ACMG Guidelines, 2015. Collection method: clinical testing. Allele origin: germline. Inheritance: Autosomal recessive inheritance. Affected: yes.
Comment: The observed missense variant c.714G>C(p.Glu238Asp) in the HSD17B4 gene has not been reported previously as a pathogenic variant nor as a benign variant, to our knowledge. This variant is absent in the gnomAD Exomes. The amino acid Glu at position 238 is changed to a Asp changing protein sequence and it might alter its composition and physico-chemical properties. Multiple lines of computational evidence (Polyphen - Damaging, SIFT - Damaging and MutationTaster - Disease causing) predict a damaging effect on protein structure and function for this variant. The residue is conserved by GERP++ and PhyloP across 100 vertebrates. For these reasons, this variant has been classified as Uncertain Significance.